The following is an entry in ClinVar:

ClinVar aggregate classification (germline): Uncertain significance. Review status: criteria provided, multiple submitters, no conflicts (2 of 4 stars). 3 submissions from 3 submitters: Uncertain significance (3). Last evaluated 2025-09-25.

Allele frequency attached by ClinVar (database versions not stated): TOPMed 0.00011; ExAC 0.00013.
gnomAD v4.1: 369 of 1,614,052 alleles (0.023%); highest among the groups gnomAD compares: Non-Finnish European, 0.029%; no homozygotes.

Submissions (3):

Labcorp Genetics (formerly Invitae), Labcorp
Classification: Uncertain significance. Last evaluated: 2025-09-25. Review status: criteria provided, single submitter. Criteria: Invitae Variant Classification Sherloc (09022015). Collection method: clinical testing. Allele origin: germline.
Comment: This sequence change replaces isoleucine, which is neutral and non-polar, with methionine, which is neutral and non-polar, at codon 265 of the MCM5 protein (p.Ile265Met). This variant is present in population databases (rs200053557, gnomAD 0.03%). This variant has not been reported in the literature in individuals affected with MCM5-related conditions. ClinVar contains an entry for this variant (Variation ID: 1411058). Invitae Evidence Modeling of protein sequence and biophysical properties (such as structural, functional, and spatial information, amino acid conservation, physicochemical variation, residue mobility, and thermodynamic stability) indicates that this missense variant is not expected to disrupt MCM5 protein function with a negative predictive value of 80%. In summary, the available evidence is currently insufficient to determine the role of this variant in disease. Therefore, it has been classified as a Variant of Uncertain Significance.

Ambry Genetics
Classification: Uncertain significance. Last evaluated: 2025-03-08. Review status: criteria provided, single submitter. Criteria: Ambry Variant Classification Scheme 2023. Collection method: clinical testing. Allele origin: germline.

CeGaT Center for Human Genetics Tuebingen
Classification: Uncertain significance. Last evaluated: 2022-05-01. Review status: criteria provided, single submitter. Criteria: CeGaT Center For Human Genetics Tuebingen Variant Classification Criteria Version 2. Collection method: clinical testing. Allele origin: germline. Affected: yes. Observed: 1 variant allele.

NM_006739.4(MCM5):c.795C>G (p.Ile265Met)

Gene: MCM5 (minichromosome maintenance complex component 5; plus strand). Cytogenetic location: 22q12.3.
Variant type: single nucleotide variant.
Coding change: c.795C>G on transcript NM_006739.4 (MANE Select); coding-DNA position 795, C replaced by G.
Protein change: p.Ile265Met; replaces isoleucine 265 with methionine.
Molecular consequence: missense variant.
Genome position (GRCh38, 1-based): chr22:35,410,786, C>G. VCF-style: chr22-35410786-C-G. GRCh37 (hg19) VCF-style: chr22-35806779-C-G.
Other names: c.795C>G (NM_006739.3); short protein forms I265M.
Identifiers: ClinVar variation 1411058 (VCV001411058.33), dbSNP rs200053557, ClinGen allele CA10205176.